The following is an entry in ClinVar:

ClinVar aggregate classification (germline): Uncertain significance. Review status: criteria provided, multiple submitters, no conflicts (2 of 4 stars). 2 submissions from 2 submitters: Uncertain significance (2). Last evaluated 2023-04-13.

Conditions:
Hereditary cancer-predisposing syndrome. Also called: Neoplastic Syndromes, Hereditary; Tumor predisposition; Hereditary Cancer Syndrome; Hereditary neoplastic syndrome. Identifiers: Orphanet 140162, MedGen C0027672, MeSH D009386, MONDO:0015356.
Familial adenomatous polyposis 1 (FAP1). Also called: FAMILIAL ADENOMATOUS POLYPOSIS 1, ATTENUATED; POLYPOSIS, ADENOMATOUS INTESTINAL. Identifiers: MedGen C2713442, MONDO:0021056, OMIM 175100. Disease mechanism: loss of function.

Submissions (2):

Ambry Genetics
Classification: Uncertain significance for Hereditary cancer-predisposing syndrome. Last evaluated: 2023-04-13. Review status: criteria provided, single submitter. Criteria: Ambry Variant Classification Scheme 2023. Collection method: clinical testing. Allele origin: germline.
Comment: The p.G2141R variant (also known as c.6421G>A), located in coding exon 15 of the APC gene, results from a G to A substitution at nucleotide position 6421. The glycine at codon 2141 is replaced by arginine, an amino acid with dissimilar properties. This amino acid position is conserved. In addition, in silico predictors for this gene do not accurately predict pathogenicity. Since supporting evidence is limited at this time, the clinical significance of this alteration remains unclear.

Labcorp Genetics (formerly Invitae), Labcorp
Classification: Uncertain significance for Familial adenomatous polyposis 1. Last evaluated: 2018-10-09. Review status: criteria provided, single submitter. Criteria: Invitae Variant Classification Sherloc (09022015). Collection method: clinical testing. Allele origin: germline.
Comment: Algorithms developed to predict the effect of sequence changes on RNA splicing suggest that this variant may create or strengthen a splice site, but this prediction has not been confirmed by published transcriptional studies. This sequence change replaces glycine with arginine at codon 2141 of the APC protein (p.Gly2141Arg). The glycine residue is highly conserved and there is a moderate physicochemical difference between glycine and arginine. This variant is not present in population databases (ExAC no frequency). This variant has not been reported in the literature in individuals with APC-related disease. Algorithms developed to predict the effect of missense changes on protein structure and function are either unavailable or do not agree on the potential impact of this missense change (SIFT: "Deleterious"; PolyPhen-2: "Probably Damaging"; Align-GVGD: "Class C15"). In summary, the available evidence is currently insufficient to determine the role of this variant in disease. Therefore, it has been classified as a Variant of Uncertain Significance.

NM_000038.6(APC):c.6421G>A (p.Gly2141Arg)

Gene: APC (APC regulator of Wnt signaling pathway; plus strand). Cytogenetic location: 5q22.2.
Variant type: single nucleotide variant.
Coding change: c.6421G>A on transcript NM_000038.6 (MANE Select); coding-DNA position 6421, G replaced by A.
Protein change: p.Gly2141Arg; replaces glycine 2141 with arginine.
Molecular consequence: missense variant.
Genome position (GRCh38, 1-based): chr5:112,842,015, G>A. VCF-style: chr5-112842015-G-A. GRCh37 (hg19) VCF-style: chr5-112177712-G-A.
Other names: c.6421G>A, p.Gly2141Arg (NM_001127510.3, NM_001354895.2); c.6367G>A, p.Gly2123Arg (NM_001127511.3); c.6475G>A, p.Gly2159Arg (NM_001354896.2); c.6451G>A, p.Gly2151Arg (NM_001354897.2); c.6346G>A, p.Gly2116Arg (NM_001354898.2); c.6337G>A, p.Gly2113Arg (NM_001354899.2); c.6298G>A, p.Gly2100Arg (NM_001354900.2); c.6244G>A, p.Gly2082Arg (NM_001354901.2); and 5 more; short protein forms G2015R, G2141R, G2151R, G1858R, G2100R, G2116R, G2159R, G1981R.
Identifiers: ClinVar variation 650212 (VCV000650212.12), dbSNP rs1580670614, ClinGen allele CA16035385.